The following is an entry in ClinVar:

ClinVar aggregate classification (germline): Uncertain significance (1 of 4 stars; one submission).

Conditions:
Kabuki syndrome. Also called: NIIKAWA-KUROKI SYNDROME; Kabuki make-up syndrome. Identifiers: Orphanet 2322, MedGen C0796004, MONDO:0016512.

Submission:

Labcorp Genetics (formerly Invitae), Labcorp
Classification: Uncertain significance for Kabuki syndrome. Last evaluated: 2025-11-27. Review status: criteria provided, single submitter. Criteria: Invitae Variant Classification Sherloc (09022015). Collection method: clinical testing. Allele origin: germline.
Comment: This sequence change replaces arginine, which is basic and polar, with serine, which is neutral and polar, at codon 5275 of the KMT2D protein (p.Arg5275Ser). This variant is not present in population databases (gnomAD no frequency). This variant has not been reported in the literature in individuals affected with KMT2D-related conditions. Invitae Evidence Modeling of protein sequence and biophysical properties (such as structural, functional, and spatial information, amino acid conservation, physicochemical variation, residue mobility, and thermodynamic stability) indicates that this missense variant is not expected to disrupt KMT2D protein function with a negative predictive value of 95%. In summary, the available evidence is currently insufficient to determine the role of this variant in disease. Therefore, it has been classified as a Variant of Uncertain Significance.

NM_003482.4(KMT2D):c.15825A>T (p.Arg5275Ser)

Gene: KMT2D (lysine methyltransferase 2D; minus strand). Cytogenetic location: 12q13.12.
Variant type: single nucleotide variant.
Coding change: c.15825A>T on transcript NM_003482.4 (MANE Select); coding-DNA position 15825, A replaced by T.
Protein change: p.Arg5275Ser; replaces arginine 5275 with serine.
Molecular consequence: missense variant.
Genome position (GRCh38, 1-based): chr12:49,024,906, T>A on the plus strand (A>T on the coding strand, the complement: KMT2D is on the minus strand). VCF-style: chr12-49024906-T-A. GRCh37 (hg19) VCF-style: chr12-49418689-T-A.
Other names: short protein forms R5275S.
Identifiers: ClinVar variation 4801176 (VCV004801176.1).
Genomic context (GRCh38, chr12:49,024,906, plus strand): 5'-CCCAAAGAGCTCCTCGCCCTTCAGATACTCAGGGAAGAGTCGCAGCATGTCAGCCTCTTT[T>A]CTCATGGCAGCCACAGGCTCAATGATGCGATTCCACACGGCTAAGAAGCAGGGAAGAGAG-3'
Protein context (NP_003473.3, residues 5265-5285): NRIIEPVAAM[Arg5275Ser]KEADMLRLFP